The following is an entry in ClinVar:

NM_001330260.2(SCN8A):c.5800A>G (p.Lys1934Glu)

Gene: SCN8A (sodium voltage-gated channel alpha subunit 8; plus strand). Cytogenetic location: 12q13.13.
Variant type: single nucleotide variant.
Coding change: c.5800A>G on transcript NM_001330260.2 (MANE Select); coding-DNA position 5800, A replaced by G.
Protein change: p.Lys1934Glu; replaces lysine 1934 with glutamic acid.
Molecular consequence: missense variant.
Genome position (GRCh38, 1-based): chr12:51,807,286, A>G. VCF-style: chr12-51807286-A-G. GRCh37 (hg19) VCF-style: chr12-52201070-A-G.
Other names: c.5677A>G, p.Lys1893Glu (NM_001177984.3, NM_001369788.1); c.5800A>G, p.Lys1934Glu (NM_014191.4); short protein forms K1893E, K1934E.
Identifiers: ClinVar variation 1411036 (VCV001411036.9), dbSNP rs1555231174, ClinGen allele CA384889514.

ClinVar aggregate classification (germline): Uncertain significance (1 of 4 stars; one submission).

Conditions:
Early-infantile DEE. Also called: Early infantile epileptic encephalopathy; Ohtahara syndrome; Early infantile epileptic encephalopathy with suppression bursts. Identifiers: Orphanet 1934, MedGen C0393706, MONDO:0800491.

Submission:

Labcorp Genetics (formerly Invitae), Labcorp
Classification: Uncertain significance for Early-infantile DEE. Last evaluated: 2021-05-13. Review status: criteria provided, single submitter. Criteria: Invitae Variant Classification Sherloc (09022015). Collection method: clinical testing. Allele origin: germline.
Comment: This variant is not present in population databases (ExAC no frequency). This variant has not been reported in the literature in individuals with SCN8A-related conditions. Algorithms developed to predict the effect of missense changes on protein structure and function are either unavailable or do not agree on the potential impact of this missense change (SIFT: "Deleterious"; PolyPhen-2: "Probably Damaging"; Align-GVGD: "Class C0"). In summary, the available evidence is currently insufficient to determine the role of this variant in disease. Therefore, it has been classified as a Variant of Uncertain Significance. This sequence change replaces lysine with glutamic acid at codon 1934 of the SCN8A protein (p.Lys1934Glu). The lysine residue is highly conserved and there is a small physicochemical difference between lysine and glutamic acid.